The following is an entry in ClinVar:

ClinVar aggregate classification (germline): Uncertain significance (1 of 4 stars; one submission).

Conditions:
Joubert syndrome. Also called: Familial aplasia of the vermis; CEREBELLOPARENCHYMAL DISORDER IV; JOUBERT-BOLTSHAUSER SYNDROME. Identifiers: Orphanet 475, MedGen C5979921, MONDO:0018772.
Meckel-Gruber syndrome. Also called: Dysencephalia splachnocystica; DYSENCEPHALIA SPLANCHNOCYSTICA; GRUBER SYNDROME. Identifiers: Orphanet 564, MedGen C0265215, MONDO:0018921.

Allele frequency attached by ClinVar (database versions not stated): gnomAD exomes below 0.00001; TOPMed below 0.00001; gnomAD 0.00001.

Submission:

Labcorp Genetics (formerly Invitae), Labcorp
Classification: Uncertain significance for Joubert syndrome; Meckel-Gruber syndrome. Last evaluated: 2022-08-22. Review status: criteria provided, single submitter. Criteria: Invitae Variant Classification Sherloc (09022015). Collection method: clinical testing. Allele origin: germline.
Comment: This sequence change replaces leucine, which is neutral and non-polar, with proline, which is neutral and non-polar, at codon 402 of the MKS1 protein (p.Leu402Pro). This variant is not present in population databases (gnomAD no frequency). This variant has not been reported in the literature in individuals affected with MKS1-related conditions. ClinVar contains an entry for this variant (Variation ID: 1021654). Advanced modeling of protein sequence and biophysical properties (such as structural, functional, and spatial information, amino acid conservation, physicochemical variation, residue mobility, and thermodynamic stability) performed at Invitae indicates that this missense variant is expected to disrupt MKS1 protein function. In summary, the available evidence is currently insufficient to determine the role of this variant in disease. Therefore, it has been classified as a Variant of Uncertain Significance.

NM_017777.4(MKS1):c.1205T>C (p.Leu402Pro)

Gene: MKS1 (MKS transition zone complex subunit 1; minus strand). Cytogenetic location: 17q22.
Variant type: single nucleotide variant.
Coding change: c.1205T>C on transcript NM_017777.4 (MANE Select); coding-DNA position 1205, T replaced by C.
Protein change: p.Leu402Pro; replaces leucine 402 with proline.
Molecular consequence: missense variant.
Genome position (GRCh38, 1-based): chr17:58,207,962, A>G on the plus strand (T>C on the coding strand, the complement: MKS1 is on the minus strand). VCF-style: chr17-58207962-A-G. GRCh37 (hg19) VCF-style: chr17-56285323-A-G.
Other names: c.596T>C, p.Leu199Pro (NM_001321268.2); c.1205T>C, p.Leu402Pro (NM_001321269.2, NM_001330397.2); short protein forms L199P, L402P.
Identifiers: ClinVar variation 1021654 (VCV001021654.6), dbSNP rs1295464168, ClinGen allele CA400325513.